The following is an entry in ClinVar:

ClinVar aggregate classification (germline): Uncertain significance (1 of 4 stars; one submission).

Conditions:
Epidermolysis bullosa simplex 3, localized or generalized intermediate, with BP230 deficiency (EBS3). Also called: Epidermolysis bullosa simplex, autosomal recessive 2; Epidermolysis bullosa simplex due to BP230 deficiency. Identifiers: Orphanet 412181, MedGen C3809470, MONDO:0014180, OMIM 615425.
Hereditary sensory and autonomic neuropathy type 6. Also called: HSAN VI; Neuropathy, hereditary sensory and autonomic, type VI. Identifiers: Orphanet 314381, MedGen C3539003, MONDO:0013839, OMIM 614653.

gnomAD v4.1: 10 of 1,614,148 alleles (0.00062%); highest among the groups gnomAD compares: South Asian, 0.0033%; no homozygotes.

Submission:

Labcorp Genetics (formerly Invitae), Labcorp
Classification: Uncertain significance for Epidermolysis bullosa simplex 3, localized or generalized intermediate, with BP230 deficiency; Hereditary sensory and autonomic neuropathy type 6. Last evaluated: 2025-08-12. Review status: criteria provided, single submitter. Criteria: Invitae Variant Classification Sherloc (09022015). Collection method: clinical testing. Allele origin: germline.
Comment: This sequence change replaces histidine, which is basic and polar, with arginine, which is basic and polar, at codon 1356 of the DST protein (p.His1356Arg). This variant is present in population databases (rs200382338, gnomAD 0.003%). This variant has not been reported in the literature in individuals affected with DST-related conditions. An algorithm developed to predict the effect of missense changes on protein structure and function (PolyPhen-2) suggests that this variant is likely to be tolerated. In summary, the available evidence is currently insufficient to determine the role of this variant in disease. Therefore, it has been classified as a Variant of Uncertain Significance.

NM_001723.7(DST):c.4067A>G (p.His1356Arg)

Gene: DST (dystonin; minus strand). Cytogenetic location: 6p12.1.
Variant type: single nucleotide variant.
Coding change: c.4067A>G on transcript NM_001723.7 (MANE Plus Clinical); coding-DNA position 4067, A replaced by G.
Protein change: p.His1356Arg; replaces histidine 1356 with arginine.
Molecular consequence: missense variant. On other transcripts: intron variant (10).
Genome position (GRCh38, 1-based): chr6:56,619,967, T>C on the plus strand (A>G on the coding strand, the complement: DST is on the minus strand). VCF-style: chr6-56619967-T-C. GRCh37 (hg19) VCF-style: chr6-56484765-T-C.
Other names: c.4830+4563A>G (NM_001144769.5); c.4929+4563A>G (NM_001374722.1, NM_001374736.1); c.4956+4563A>G (NM_001374734.1); c.4416+4563A>G (NM_001144770.2); c.4296+4563A>G (NM_001374730.1, NM_001386100.1, NM_183380.4 and 1 more transcripts); c.3318+4563A>G (NM_015548.5); short protein forms H1356R.
Identifiers: ClinVar variation 4792254 (VCV004792254.1).